The following is an entry in ClinVar:

NM_022114.4(PRDM16):c.1286G>A (p.Gly429Asp)

Gene: PRDM16 (PR/SET domain 16; plus strand). Cytogenetic location: 1p36.32.
Variant type: single nucleotide variant.
Coding change: c.1286G>A on transcript NM_022114.4 (MANE Select); coding-DNA position 1286, G replaced by A.
Protein change: p.Gly429Asp; replaces glycine 429 with aspartic acid.
Molecular consequence: missense variant.
Genome position (GRCh38, 1-based): chr1:3,411,483, G>A. VCF-style: chr1-3411483-G-A. GRCh37 (hg19) VCF-style: chr1-3328047-G-A.
Other names: c.1286G>A, p.Gly429Asp (NM_199454.3); short protein forms G429D.
Identifiers: ClinVar variation 977171 (VCV000977171.3), dbSNP rs749740251, ClinGen allele CA544151.

ClinVar aggregate classification (germline): Uncertain significance. Review status: criteria provided, multiple submitters, no conflicts (2 of 4 stars). 3 submissions from 3 submitters: Uncertain significance (3). Last evaluated 2022-11-17.

Conditions:
Left ventricular noncompaction 8 (LVNC8). Identifiers: Orphanet 154, Orphanet 54260, MedGen C3809288, MONDO:0014152, OMIM 615373.

Allele frequency attached by ClinVar (database versions not stated): gnomAD exomes below 0.00001 and 0.00001; ExAC 0.00001; gnomAD 0.00001.
gnomAD v4.1: 7 of 1,614,106 alleles (0.00043%); highest among the groups gnomAD compares: East Asian, 0.0022%; no homozygotes.

Submissions (3):

GeneDx
Classification: Uncertain significance. Last evaluated: 2022-11-17. Review status: criteria provided, single submitter. Criteria: GeneDx Variant Classification Process June 2021. Collection method: clinical testing. Allele origin: germline. Affected: yes.
Comment: Not observed at significant frequency in large population cohorts (gnomAD); In silico analysis supports that this missense variant has a deleterious effect on protein structure/function; Has not been previously published as pathogenic or benign to our knowledge

Labcorp Genetics (formerly Invitae), Labcorp
Classification: Uncertain significance for Left ventricular noncompaction 8. Last evaluated: 2021-08-20. Review status: criteria provided, single submitter. Criteria: Invitae Variant Classification Sherloc (09022015). Collection method: clinical testing. Allele origin: germline.
Comment: This sequence change replaces glycine with aspartic acid at codon 429 of the PRDM16 protein (p.Gly429Asp). The glycine residue is highly conserved and there is a moderate physicochemical difference between glycine and aspartic acid. This variant is present in population databases (rs749740251, ExAC 0.002%). This variant has not been reported in the literature in individuals affected with PRDM16-related conditions. ClinVar contains an entry for this variant (Variation ID: 977171). Algorithms developed to predict the effect of missense changes on protein structure and function (SIFT, PolyPhen-2, Align-GVGD) all suggest that this variant is likely to be disruptive. In summary, the available evidence is currently insufficient to determine the role of this variant in disease. Therefore, it has been classified as a Variant of Uncertain Significance.

Agnes Ginges Centre for Molecular Cardiology, Centenary Institute
Classification: Uncertain significance for Left ventricular noncompaction 8. Last evaluated: 2019-05-28. Review status: criteria provided, single submitter. Criteria: ACMG Guidelines, 2015. Collection method: research. Allele origin: germline. Inheritance: Autosomal dominant inheritance. Affected: yes.
Comment: The PRDM16 Gly429Asp variant has not be reported previously but is present as a singleton event in the Exome Aggregation Consortium dataset (MAF=0.00001). Computational tools SIFT, MutationTaster, and PolyPhen-2 predict this variant to have a deleterious effect. Based on this limited information we classify PRDM16 Gly429Asp as a variant of "uncertain significance".